The following is an entry in ClinVar:

NM_001693.4(ATP6V1B2):c.1087C>T (p.His363Tyr)

Gene: ATP6V1B2 (ATPase H+ transporting V1 subunit B2; plus strand). Cytogenetic location: 8p21.3.
Variant type: single nucleotide variant.
Coding change: c.1087C>T on transcript NM_001693.4 (MANE Select); coding-DNA position 1087, C replaced by T.
Protein change: p.His363Tyr; replaces histidine 363 with tyrosine.
Molecular consequence: missense variant.
Genome position (GRCh38, 1-based): chr8:20,216,421, C>T. VCF-style: chr8-20216421-C-T. GRCh37 (hg19) VCF-style: chr8-20073932-C-T.
Other names: short protein forms H363Y.
Identifiers: ClinVar variation 1310170 (VCV001310170.2), dbSNP rs2128886546, ClinGen allele CA370473074.

ClinVar aggregate classification (germline): Uncertain significance (1 of 4 stars; one submission).

Submission:

GeneDx
Classification: Uncertain significance. Last evaluated: 2019-11-18. Review status: criteria provided, single submitter. Criteria: GeneDx Variant Classification Process June 2021. Collection method: clinical testing. Allele origin: germline. Affected: yes.
Comment: Not observed in large population cohorts (Lek et al., 2016); In silico analysis, which includes protein predictors and evolutionary conservation, supports a deleterious effect; Has not been previously published as pathogenic or benign to our knowledge